The following is an entry in ClinVar:

ClinVar aggregate classification (germline): Uncertain significance (1 of 4 stars; one submission).

Conditions:
Hereditary cancer-predisposing syndrome. Also called: Neoplastic Syndromes, Hereditary; Tumor predisposition; Hereditary Cancer Syndrome; Hereditary neoplastic syndrome. Identifiers: Orphanet 140162, MedGen C0027672, MeSH D009386, MONDO:0015356.

Submission:

Ambry Genetics
Classification: Uncertain significance for Hereditary cancer-predisposing syndrome. Last evaluated: 2020-02-14. Review status: criteria provided, single submitter. Criteria: Ambry Variant Classification Scheme 2023. Collection method: clinical testing. Allele origin: germline.
Comment: The p.N1003S variant (also known as c.3008A>G), located in coding exon 10 of the PALB2 gene, results from an A to G substitution at nucleotide position 3008. The asparagine at codon 1003 is replaced by serine, an amino acid with highly similar properties. This amino acid position is poorly conserved in available vertebrate species. In addition, this alteration is predicted to be tolerated by in silico analysis. Since supporting evidence is limited at this time, the clinical significance of this alteration remains unclear.

NM_024675.4(PALB2):c.3008A>G (p.Asn1003Ser)

Gene: PALB2 (partner and localizer of BRCA2; minus strand). Cytogenetic location: 16p12.2.
Variant type: single nucleotide variant.
Coding change: c.3008A>G on transcript NM_024675.4 (MANE Select); coding-DNA position 3008, A replaced by G.
Protein change: p.Asn1003Ser; replaces asparagine 1003 with serine.
Molecular consequence: missense variant.
Genome position (GRCh38, 1-based): chr16:23,621,467, T>C on the plus strand (A>G on the coding strand, the complement: PALB2 is on the minus strand). VCF-style: chr16-23621467-T-C. GRCh37 (hg19) VCF-style: chr16-23632788-T-C.
Other names: c.2123A>G, p.Asn708Ser (NM_001407306.1, NM_001407308.1, NM_001407309.1 and 4 more transcripts); c.1961A>G, p.Asn654Ser (NM_001407307.1); c.1220A>G, p.Asn407Ser (NM_001407312.1, NM_001407313.1); c.542A>G, p.Asn181Ser (NM_001407314.1); c.2948A>G, p.Asn983Ser (NM_001407296.1); c.2936A>G, p.Asn979Ser (NM_001407297.1); c.2846A>G, p.Asn949Ser (NM_001407298.1, NM_001407302.1); c.3008A>G, p.Asn1003Ser (NM_001407299.1, NM_001407301.1); short protein forms N181S, N983S, N1003S, N654S, N708S, N949S, N979S, N407S.
Identifiers: ClinVar variation 1798760 (VCV001798760.2), dbSNP rs2142328358, ClinGen allele CA395143184.